The following is an entry in ClinVar:

NM_000540.3(RYR1):c.14518A>T (p.Met4840Leu)

Gene: RYR1 (ryanodine receptor 1; plus strand). Cytogenetic location: 19q13.2.
Variant type: single nucleotide variant.
Coding change: c.14518A>T on transcript NM_000540.3 (MANE Select); coding-DNA position 14518, A replaced by T.
Protein change: p.Met4840Leu; replaces methionine 4840 with leucine.
Molecular consequence: missense variant.
Genome position (GRCh38, 1-based): chr19:38,580,376, A>T. VCF-style: chr19-38580376-A-T. GRCh37 (hg19) VCF-style: chr19-39071016-A-T.
Other names: c.14503A>T, p.Met4835Leu (NM_001042723.2); short protein forms M4840L, M4835L.
Identifiers: ClinVar variation 452823 (VCV000452823.8), dbSNP rs933599635, ClinGen allele CA308121922.

ClinVar aggregate classification (germline): Uncertain significance. Review status: criteria provided, multiple submitters, no conflicts (2 of 4 stars). 3 submissions from 3 submitters: Uncertain significance (3). Last evaluated 2025-06-17.

Conditions:
RYR1-related disorder. Also called: RYR1-related condition; RYR1-related disorders. Identifiers: MedGen CN239331.

Allele frequency attached by ClinVar (database versions not stated): gnomAD exomes below 0.00001; TOPMed below 0.00001.
gnomAD v4.1: 3 of 1,614,026 alleles (0.00019%); highest among the groups gnomAD compares: Non-Finnish European, 0.00025%; no homozygotes.

Submissions (3):

Labcorp Genetics (formerly Invitae), Labcorp
Classification: Uncertain significance for RYR1-related disorder. Last evaluated: 2025-06-17. Review status: criteria provided, single submitter. Criteria: Invitae Variant Classification Sherloc (09022015). Collection method: clinical testing. Allele origin: germline.
Comment: This sequence change replaces methionine, which is neutral and non-polar, with leucine, which is neutral and non-polar, at codon 4840 of the RYR1 protein (p.Met4840Leu). This variant is not present in population databases (gnomAD no frequency). This variant has not been reported in the literature in individuals affected with RYR1-related conditions. ClinVar contains an entry for this variant (Variation ID: 452823). Invitae Evidence Modeling of protein sequence and biophysical properties (such as structural, functional, and spatial information, amino acid conservation, physicochemical variation, residue mobility, and thermodynamic stability) indicates that this missense variant is not expected to disrupt RYR1 protein function with a negative predictive value of 95%. In summary, the available evidence is currently insufficient to determine the role of this variant in disease. Therefore, it has been classified as a Variant of Uncertain Significance.

GeneDx
Classification: Uncertain significance. Last evaluated: 2017-10-17. Review status: criteria provided, single submitter. Criteria: GeneDx Variant Classification (06012015). Collection method: clinical testing. Allele origin: germline. Affected: yes.
Comment: The M4840L variant has not been published as a pathogenic variant, nor has it been reported as a benign variant to our knowledge. The M4840L variant is not observed in large population cohorts (Lek et al., 2016). This variant is a conservative amino acid substitution, which is not likely to impact secondary protein structure as these residues share similar properties. This substitution occurs at a position where amino acids with similar properties to Methionine are tolerated across species. In silico analysis is inconsistent in its predictions as to whether or not the variant is damaging to the protein structure/function.

PreventionGenetics, part of Exact Sciences
Classification: Uncertain significance. Last evaluated: 2013-10-30. Review status: criteria provided, single submitter. Criteria: ACMG Guidelines, 2015. Collection method: clinical testing. Allele origin: germline.